The following is an entry in ClinVar:

ClinVar aggregate classification (germline): Uncertain significance (1 of 4 stars; one submission).

Submission:

Labcorp Genetics (formerly Invitae), Labcorp
Classification: Uncertain significance. Last evaluated: 2022-01-02. Review status: criteria provided, single submitter. Criteria: Invitae Variant Classification Sherloc (09022015). Collection method: clinical testing. Allele origin: germline.
Comment: This sequence change replaces serine, which is neutral and polar, with phenylalanine, which is neutral and non-polar, at codon 313 of the HPS4 protein (p.Ser313Phe). This variant is not present in population databases (gnomAD no frequency). This variant has not been reported in the literature in individuals affected with HPS4-related conditions. Algorithms developed to predict the effect of missense changes on protein structure and function (SIFT, PolyPhen-2, Align-GVGD) all suggest that this variant is likely to be tolerated. In summary, the available evidence is currently insufficient to determine the role of this variant in disease. Therefore, it has been classified as a Variant of Uncertain Significance.

NM_022081.6(HPS4):c.938C>T (p.Ser313Phe)

Gene: HPS4 (HPS4 biogenesis of lysosomal organelles complex 3 subunit 2; minus strand). Cytogenetic location: 22q12.1.
Variant type: single nucleotide variant.
Coding change: c.938C>T on transcript NM_022081.6 (MANE Select); coding-DNA position 938, C replaced by T.
Protein change: p.Ser313Phe; replaces serine 313 with phenylalanine.
Molecular consequence: missense variant. On other transcripts: non-coding transcript variant (8).
Genome position (GRCh38, 1-based): chr22:26,464,692, G>A on the plus strand (C>T on the coding strand, the complement: HPS4 is on the minus strand). VCF-style: chr22-26464692-G-A. GRCh37 (hg19) VCF-style: chr22-26860658-G-A.
Other names: c.923C>T, p.Ser308Phe (NM_152841.2); c.938C>T, p.Ser313Phe (NM_001349896.1, NM_001349898.2, NM_001349899.2 and 5 more transcripts); c.992C>T, p.Ser331Phe (NM_001349900.2, NM_001349901.1); short protein forms S308F, S331F, S313F.
Identifiers: ClinVar variation 2070196 (VCV002070196.1), dbSNP rs778237328, ClinGen allele CA411028508.